The following is an entry in ClinVar:

ClinVar aggregate classification (germline): Conflicting classifications of pathogenicity. Review status: criteria provided, conflicting classifications (1 of 4 stars). 2 submissions from 2 submitters: Uncertain significance (1); Likely benign (1). Last evaluated 2025-04-30.

Conditions:
Inborn genetic diseases. Identifiers: MedGen C0950123, MeSH D030342.
Coffin-Siris syndrome 6. Identifiers: MedGen C4540499, MONDO:0033492, OMIM 617808.

Allele frequency attached by ClinVar (database versions not stated): gnomAD exomes 0.00001 and 0.00002; TOPMed 0.00001; gnomAD 0.00001; ExAC 0.00002.
gnomAD v4.1: 17 of 1,613,932 alleles (0.0011%); highest among the groups gnomAD compares: Non-Finnish European, 0.0013%; no homozygotes.

Submissions (2):

Ambry Genetics
Classification: Likely benign for Inborn genetic diseases. Last evaluated: 2025-04-30. Review status: criteria provided, single submitter. Criteria: Ambry Variant Classification Scheme 2023. Collection method: clinical testing. Allele origin: germline.

Baylor Genetics
Classification: Uncertain significance for Coffin-Siris syndrome 6. Last evaluated: 2018-07-24. Review status: criteria provided, single submitter. Criteria: ACMG Guidelines, 2015. Collection method: clinical testing. Allele origin: maternal. Affected: yes.
Comment: This variant was determined to be of uncertain significance according to ACMG Guidelines, 2015 [PMID:25741868].

NM_152641.4(ARID2):c.2556G>T (p.Gln852His)

Gene: ARID2 (AT-rich interaction domain 2; plus strand). Cytogenetic location: 12q12.
Variant type: single nucleotide variant.
Coding change: c.2556G>T on transcript NM_152641.4 (MANE Select); coding-DNA position 2556, G replaced by T.
Protein change: p.Gln852His; replaces glutamine 852 with histidine.
Molecular consequence: missense variant.
Genome position (GRCh38, 1-based): chr12:45,850,679, G>T. VCF-style: chr12-45850679-G-T. GRCh37 (hg19) VCF-style: chr12-46244462-G-T.
Other names: c.2556G>T, p.Gln852His (NM_001347839.2); short protein forms Q852H.
Identifiers: ClinVar variation 1034324 (VCV001034324.2), dbSNP rs769786026, ClinGen allele CA6526352.